The following is an entry in ClinVar:

NM_001363066.2(CLDN5):c.121G>A (p.Val41Met)

Gene: CLDN5 (claudin 5; minus strand). Cytogenetic location: 22q11.21.
Variant type: single nucleotide variant.
Coding change: c.121G>A on transcript NM_001363066.2 (MANE Select); coding-DNA position 121, G replaced by A.
Protein change: p.Val41Met; replaces valine 41 with methionine.
Molecular consequence: missense variant.
Genome position (GRCh38, 1-based): chr22:19,524,135, C>T on the plus strand (G>A on the coding strand, the complement: CLDN5 is on the minus strand). VCF-style: chr22-19524135-C-T. GRCh37 (hg19) VCF-style: chr22-19511658-C-T.
Other names: c.376G>A, p.Val126Met (NM_001130861.1, NM_001363067.2, NM_003277.4); short protein forms V126M, V41M.
Identifiers: ClinVar variation 3340659 (VCV003340659.2).
Genomic context (GRCh38, chr22:19,524,135, plus strand): 5'-GCCCGGTGCTCTGCACCACGCACGACATCCACAGCCCCTTCCAGGTGGTCTGCGCCGTCA[C>T]GATGTTGTGGTCCAGGAAGGCGGTCACCTGCCACATGGGCAGCCCGCACGCCAGGATCAG-3'
Protein context (NP_001349995.1, residues 31-51): QVTAFLDHNI[Val41Met]TAQTTWKGLW

ClinVar aggregate classification (germline): Pathogenic. Review status: criteria provided, multiple submitters, no conflicts (2 of 4 stars). 2 submissions from 2 submitters: Pathogenic (2). Last evaluated 2023-10-11.

Conditions:
Neurodevelopmental disorder. Identifiers: MedGen C1535926, MeSH D065886, MONDO:0700092.

Submissions (2):

Illumina Laboratory Services, Illumina
Classification: Pathogenic for Neurodevelopmental disorder. Last evaluated: 2023-10-11. Review status: criteria provided, single submitter. Criteria: ICSLVariantClassificationCriteria RUGD 01 April 2020. Collection method: clinical testing. Allele origin: unknown.
Comment: The CLDN5 c.121G>A p.(Val41Met) missense variant is a recurrent variant which has been reported in a de novo state in three unrelated individuals with seizures, microcephaly, and brain calcifications. It is located in the first extracellular domain and overexpression of the equivalent variant in zebrafish embryos resulted in increased mortality and dorsalization (PMID:36477332). This variant is not observed in version 2.1.1 or version 3.1.2 of the Genome Aggregation Database. Based on the available evidence, the c.121G>A p.(Val41Met) variant is classified as pathogenic for seizures, microcephaly, and brain calcifications.

GeneDx
Classification: Pathogenic. Last evaluated: 2023-10-05. Review status: criteria provided, single submitter. Criteria: GeneDx Variant Classification Process June 2021. Collection method: clinical testing. Allele origin: germline. Affected: yes.
Comment: Not observed in large population cohorts (gnomAD); In silico analysis supports that this missense variant has a deleterious effect on protein structure/function; Also reported as c.121G>A p.(V41M); This variant is associated with the following publications: (PMID: 36477332)

Literature cited by the submitters: PubMed 36477332 (cited by Illumina Laboratory Services, Illumina).